The following is an entry in ClinVar:

NM_000051.4(ATM):c.7308-17T>C

Genes: ATM (ATM serine/threonine kinase; plus strand), C11orf65 (chromosome 11 open reading frame 65; minus strand). Cytogenetic location: 11q22.3.
Variant type: single nucleotide variant.
Coding change: c.7308-17T>C on transcript NM_000051.4 (MANE Select); 17 bases into the intron before coding-DNA position 7308, T replaced by C.
Molecular consequence: intron variant.
Genome position (GRCh38, 1-based): chr11:108,330,197, T>C. VCF-style: chr11-108330197-T-C. GRCh37 (hg19) VCF-style: chr11-108200924-T-C.
Other names: c.7308-17T>C (NM_001351834.2); c.641-21126A>G (NM_001330368.2); c.*38+5023A>G (NM_001351110.2).
Identifiers: ClinVar variation 2727855 (VCV002727855.4), dbSNP rs2547259822, ClinGen allele CA2697556949.

ClinVar aggregate classification (germline): Likely benign. Review status: criteria provided, multiple submitters, no conflicts (2 of 4 stars). 2 submissions from 2 submitters: Likely benign (2). Last evaluated 2025-04-26.

Conditions:
Ataxia-telangiectasia syndrome (AT). Also called: LOUIS-BAR SYNDROME; Cerebello-oculocutaneous telangiectasia; Immunodeficiency with ataxia telangiectasia; Ataxia telangiectasia (A-T); Ataxia-telangiectasia, complementation group D; AT, COMPLEMENTATION GROUP C. Identifiers: Orphanet 100, MedGen C0004135, MONDO:0008840, OMIM 208900.
Familial cancer of breast. Also called: BREAST CANCER, FAMILIAL; Hereditary breast cancer; hereditary breast carcinoma. Identifiers: Orphanet 227535, MedGen C0346153, MONDO:0016419, OMIM 114480. Disease mechanism: loss of function.

Submissions (2):

Labcorp Genetics (formerly Invitae), Labcorp
Classification: Likely benign for Ataxia-telangiectasia syndrome. Last evaluated: 2025-04-26. Review status: criteria provided, single submitter. Criteria: Invitae Variant Classification Sherloc (09022015). Collection method: clinical testing. Allele origin: germline.

Myriad Genetics, Inc.
Classification: Likely benign for Familial cancer of breast. Last evaluated: 2024-06-13. Review status: criteria provided, single submitter. Criteria: Myriad Autosomal Dominant, Autosomal Recessive and X-Linked Classification Criteria (2023). Collection method: clinical testing. Allele origin: unknown.
Comment: This variant is considered likely benign. This variant is intronic and is not expected to impact mRNA splicing.